The following is an entry in ClinVar:

NM_001077350.3(NPRL3):c.1048G>A (p.Glu350Lys)

Genes: HBA-LCR (alpha-globin locus control region; plus strand), NPRL3 (NPR3 like, GATOR1 complex subunit; minus strand). Cytogenetic location: 16p13.3.
Variant type: single nucleotide variant.
Coding change: c.1048G>A on transcript NM_001077350.3 (MANE Select); coding-DNA position 1048, G replaced by A.
Protein change: p.Glu350Lys; replaces glutamic acid 350 with lysine.
Molecular consequence: missense variant.
Genome position (GRCh38, 1-based): chr16:92,709, C>T on the plus strand (G>A on the coding strand, the complement: NPRL3 is on the minus strand). VCF-style: chr16-92709-C-T. GRCh37 (hg19) VCF-style: chr16-142707-C-T.
Other names: c.511G>A, p.Glu171Lys (NM_001039476.3); c.814G>A, p.Glu272Lys (NM_001243247.2); c.973G>A, p.Glu325Lys (NM_001243248.2, NM_001243249.2); short protein forms E171K, E272K, E350K, E325K.
Identifiers: ClinVar variation 854751 (VCV000854751.8), dbSNP rs761443880, ClinGen allele CA7769458.

ClinVar aggregate classification (germline): Uncertain significance. Review status: criteria provided, multiple submitters, no conflicts (2 of 4 stars). 2 submissions from 2 submitters: Uncertain significance (2). Last evaluated 2024-03-17.

Conditions:
Epilepsy, familial focal, with variable foci 3 (FFEVF3). Identifiers: MedGen C4310708, MONDO:0014925, OMIM 617118.
Inborn genetic diseases. Identifiers: MedGen C0950123, MeSH D030342.

Allele frequency attached by ClinVar (database versions not stated): gnomAD exomes 0.00001; TOPMed 0.00001; gnomAD 0.00002; ExAC 0.00002.
gnomAD v4.1: 14 of 1,613,494 alleles (0.00087%); highest among the groups gnomAD compares: Middle Eastern, 0.049%; no homozygotes.

Submissions (2):

Labcorp Genetics (formerly Invitae), Labcorp
Classification: Uncertain significance for Epilepsy, familial focal, with variable foci 3. Last evaluated: 2024-03-17. Review status: criteria provided, single submitter. Criteria: Invitae Variant Classification Sherloc (09022015). Collection method: clinical testing. Allele origin: germline.
Comment: This sequence change replaces glutamic acid, which is acidic and polar, with lysine, which is basic and polar, at codon 350 of the NPRL3 protein (p.Glu350Lys). This variant is present in population databases (rs761443880, gnomAD 0.007%). This variant has not been reported in the literature in individuals affected with NPRL3-related conditions. ClinVar contains an entry for this variant (Variation ID: 854751). Advanced modeling of protein sequence and biophysical properties (such as structural, functional, and spatial information, amino acid conservation, physicochemical variation, residue mobility, and thermodynamic stability) performed at Invitae indicates that this missense variant is not expected to disrupt NPRL3 protein function with a negative predictive value of 80%. In summary, the available evidence is currently insufficient to determine the role of this variant in disease. Therefore, it has been classified as a Variant of Uncertain Significance.

Ambry Genetics
Classification: Uncertain significance for Inborn genetic diseases. Last evaluated: 2023-12-18. Review status: criteria provided, single submitter. Criteria: Ambry Variant Classification Scheme 2023. Collection method: clinical testing. Allele origin: germline.